The following is an entry in ClinVar:

NM_001369.3(DNAH5):c.12198_12203delinsCAAAAAAA (p.Leu4066fs)

Gene: DNAH5 (dynein axonemal heavy chain 5; minus strand). Cytogenetic location: 5p15.2.
Variant type: Indel.
Coding change: c.12198_12203delinsCAAAAAAA on transcript NM_001369.3 (MANE Select); coding-DNA positions 12198 to 12203, AAAAAT replaced by CAAAAAAA.
Protein change: p.Leu4066fs; shifts the reading frame from leucine 4066.
Molecular consequence: frameshift variant.
Genome position (GRCh38, 1-based): chr5:13,721,076-13,721,081, ATTTTT replaced by TTTTTTTG on the plus strand (AAAAAT replaced by CAAAAAAA on the coding strand, the reverse complement: DNAH5 is on the minus strand). VCF-style: chr5-13721076-ATTTTT-TTTTTTTG. GRCh37 (hg19) VCF-style: chr5-13721185-ATTTTT-TTTTTTTG.
Other names: short protein forms L4066fs.
Identifiers: ClinVar variation 2087038 (VCV002087038.5), dbSNP rs2546525299, ClinGen allele CA2580072014.

ClinVar aggregate classification (germline): Pathogenic (1 of 4 stars; one submission).

Conditions:
Primary ciliary dyskinesia. Also called: Ciliary dyskinesia. Identifiers: Orphanet 244, MedGen C0008780, MONDO:0016575, HP:0012265.

Submission:

Labcorp Genetics (formerly Invitae), Labcorp
Classification: Pathogenic for Primary ciliary dyskinesia. Last evaluated: 2023-12-14. Review status: criteria provided, single submitter. Criteria: Invitae Variant Classification Sherloc (09022015). Collection method: clinical testing. Allele origin: germline.
Comment: This sequence change creates a premature translational stop signal (p.Leu4066Phefs*48) in the DNAH5 gene. It is expected to result in an absent or disrupted protein product. Loss-of-function variants in DNAH5 are known to be pathogenic (PMID: 11788826, 16627867). Information on the frequency of this variant in the gnomAD database is not available, as this variant may be reported differently in the database. This variant has not been reported in the literature in individuals affected with DNAH5-related conditions. For these reasons, this variant has been classified as Pathogenic.

Literature cited by the submitters: PubMed 11788826; PubMed 16627867.